The following is an entry in ClinVar:

ClinVar aggregate classification (germline): Benign (0 of 4 stars; one submission).

Conditions:
DNAH10-related disorder. Also called: DNAH10-related condition.

gnomAD v4.1: 13,635 of 1,612,236 alleles (0.85%); highest among the groups gnomAD compares: African/African-American, 11%; 529 homozygotes.

Submissions (2):

PreventionGenetics, part of Exact Sciences
Classification: Benign for DNAH10-related condition. Last evaluated: 2024-05-16. Review status: no assertion criteria provided. Collection method: clinical testing. Allele origin: germline.
Comment: This variant is classified as benign based on ACMG/AMP sequence variant interpretation guidelines (Richards et al. 2015 PMID: 25741868, with internal and published modifications).

Dr. Peter K. Rogan Lab, Western University
No classification provided (evidence only). Condition: Lung cancer. Review status: no classification provided. Collection method: in vitro. Allele origin: not applicable. Functional consequence: retained intron. Not counted in ClinVar's aggregate classification.

NM_001372106.1(DNAH10):c.7802A>G (p.Asn2601Ser)

Gene: DNAH10 (dynein axonemal heavy chain 10; plus strand). Cytogenetic location: 12q24.31.
Variant type: single nucleotide variant.
Coding change: c.7802A>G on transcript NM_001372106.1 (MANE Select); coding-DNA position 7802, A replaced by G.
Protein change: p.Asn2601Ser; replaces asparagine 2601 with serine.
Molecular consequence: missense variant.
Genome position (GRCh38, 1-based): chr12:123,873,574, A>G. VCF-style: chr12-123873574-A-G. GRCh37 (hg19) VCF-style: chr12-124358121-A-G.
Other names: NC_000012.11:g.124358121A>G; c.7448A>G, p.Asn2483Ser (NM_207437.3); short protein forms N2483S, N2601S.
Identifiers: ClinVar variation 3347900 (VCV003347900.2).